The following is an entry in ClinVar:

ClinVar aggregate classification (germline): Conflicting classifications of pathogenicity. Review status: criteria provided, conflicting classifications (1 of 4 stars). 5 submissions from 5 submitters: Likely pathogenic (2); Uncertain significance (2). 1 of the submissions does not count toward it. Last evaluated 2025-04-15.

Conditions:
Limb-girdle muscular dystrophy due to POMK deficiency. Also called: Muscular dystrophy-dystroglycanopathy (limb-girdle), type c, 12; MUSCULAR DYSTROPHY-DYSTROGLYCANOPATHY, LIMB-GIRDLE, POMK-RELATED. Identifiers: Orphanet 445110, MedGen C4015184, MONDO:0014489, OMIM 616094.
Muscular dystrophy-dystroglycanopathy (congenital with brain and eye anomalies), type a, 12 (MDDGA12). Also called: WALKER-WARBURG SYNDROME OR MUSCLE-EYE-BRAIN DISEASE, POMK-RELATED. Identifiers: Orphanet 899, MedGen C3808964, MONDO:0014101, OMIM 615249.

Allele frequency attached by ClinVar (database versions not stated): gnomAD 0.00002; TOPMed 0.00002; gnomAD exomes 0.00003 and 0.00009; ExAC 0.00007.
gnomAD v4.1: 130 of 1,614,058 alleles (0.0081%); highest among the groups gnomAD compares: Non-Finnish European, 0.011%; no homozygotes.

Submissions (5):

GeneDx
Classification: Likely pathogenic. Last evaluated: 2025-04-15. Review status: criteria provided, single submitter. Criteria: GeneDx Variant Classification Process June 2021. Collection method: clinical testing. Allele origin: germline. Affected: yes.
Comment: Reported previously with a second variant in a patient with features of Walker-Warburg syndrome (PMID: 24925318); Published functional studies demonstrate a damaging effect and show that this variant displays abolished kinase activity and cannot restore alpha-dystroglycan immunoreactivity (PMID: 27879205); In silico analysis supports that this missense variant has a deleterious effect on protein structure/function; Not observed at significant frequency in large population cohorts (gnomAD); This variant is associated with the following publications: (PMID: 31345222, 32907597, 31833209, 24925318, 27879205)

Labcorp Genetics (formerly Invitae), Labcorp
Classification: Uncertain significance for Muscular dystrophy-dystroglycanopathy (congenital with brain and eye anomalies), type a, 12; Limb-girdle muscular dystrophy due to POMK deficiency. Last evaluated: 2022-08-15. Review status: criteria provided, single submitter. Criteria: Invitae Variant Classification Sherloc (09022015). Collection method: clinical testing. Allele origin: germline.
Comment: Experimental studies have shown that this missense change affects POMK function (PMID: 27879205). Algorithms developed to predict the effect of missense changes on protein structure and function (SIFT, PolyPhen-2, Align-GVGD) all suggest that this variant is likely to be disruptive. ClinVar contains an entry for this variant (Variation ID: 160349). This missense change has been observed in individual(s) with autosomal recessive Walker Warburg Syndrome (PMID: 24925318). This variant is present in population databases (rs199756983, gnomAD 0.009%). This sequence change replaces valine, which is neutral and non-polar, with aspartic acid, which is acidic and polar, at codon 302 of the POMK protein (p.Val302Asp). In summary, the available evidence is currently insufficient to determine the role of this variant in disease. Therefore, it has been classified as a Variant of Uncertain Significance.

Revvity Omics, Revvity
Classification: Likely pathogenic. Last evaluated: 2019-11-10. Review status: criteria provided, single submitter. Criteria: ACMG Guidelines, 2015. Collection method: clinical testing. Allele origin: germline.

Genetic Services Laboratory, University of Chicago
Classification: Uncertain significance. Last evaluated: 2017-11-03. Review status: criteria provided, single submitter. Criteria: ACMG Guidelines, 2015. Collection method: clinical testing. Allele origin: germline. Affected: no.

OMIM
Classification: Pathogenic for MUSCULAR DYSTROPHY-DYSTROGLYCANOPATHY (CONGENITAL WITH BRAIN AND EYE ANOMALIES), TYPE A, 12. Last evaluated: 2014-11-01. Review status: no assertion criteria provided. Collection method: literature only. Allele origin: germline. Not counted in ClinVar's aggregate classification.

Literature cited by the submitters: PubMed 27879205 (cited by Labcorp Genetics (formerly Invitae), Labcorp); PubMed 24925318 (cited by Labcorp Genetics (formerly Invitae), Labcorp and OMIM).

NM_032237.5(POMK):c.905T>A (p.Val302Asp)

Gene: POMK (protein O-mannose kinase; plus strand). Cytogenetic location: 8p11.21.
Variant type: single nucleotide variant.
Coding change: c.905T>A on transcript NM_032237.5 (MANE Select); coding-DNA position 905, T replaced by A.
Protein change: p.Val302Asp; replaces valine 302 with aspartic acid.
Molecular consequence: missense variant.
Genome position (GRCh38, 1-based): chr8:43,122,729, T>A. VCF-style: chr8-43122729-T-A. GRCh37 (hg19) VCF-style: chr8-42977872-T-A.
Other names: c.905T>A, p.Val302Asp (NM_001277971.2); c.905T>A (NM_001277971.1); short protein forms V302D.
Identifiers: ClinVar variation 160349 (VCV000160349.13), dbSNP rs199756983, ClinGen allele CA173960.